The following is an entry in ClinVar:

ClinVar aggregate classification (germline): Uncertain significance (1 of 4 stars; one submission).

Conditions:
Familial hypobetalipoproteinemia 1. Also called: APOB-Related Familial Hypobetalipoproteinemia; Hypobetalipoproteinemia, normotriglyceridemic; Acanthocytosis with hypobetalipoproteinemia. Identifiers: MedGen C4551990, MONDO:0014252, OMIM 615558.
Hypercholesterolemia, autosomal dominant, type B (FHCL2). Also called: APOB-Related Familial Hypercholesterolemia, Autosomal Dominant; Familial hypercholesterolemia 2; Familial Hypercholesterolemia Type B; APOLIPOPROTEIN B-100, FAMILIAL DEFECTIVE; APOLIPOPROTEIN B-100, FAMILIAL LIGAND-DEFECTIVE; HYPERCHOLESTEROLEMIA, FAMILIAL, DUE TO LIGAND-DEFECTIVE APOLIPOPROTEIN B. Identifiers: MedGen C1704417, MONDO:0007751, OMIM 144010.

gnomAD v4.1: 2 of 1,614,092 alleles (0.00012%); highest among the groups gnomAD compares: South Asian, 0.0011%; no homozygotes.

Submission:

Labcorp Genetics (formerly Invitae), Labcorp
Classification: Uncertain significance for Familial hypobetalipoproteinemia 1; Hypercholesterolemia, autosomal dominant, type B. Last evaluated: 2025-06-07. Review status: criteria provided, single submitter. Criteria: Invitae Variant Classification Sherloc (09022015). Collection method: clinical testing. Allele origin: germline.
Comment: This sequence change replaces lysine, which is basic and polar, with asparagine, which is neutral and polar, at codon 2829 of the APOB protein (p.Lys2829Asn). This variant is not present in population databases (gnomAD no frequency). This variant has not been reported in the literature in individuals affected with APOB-related conditions. Invitae Evidence Modeling of protein sequence and biophysical properties (such as structural, functional, and spatial information, amino acid conservation, physicochemical variation, residue mobility, and thermodynamic stability) indicates that this missense variant is not expected to disrupt APOB protein function with a negative predictive value of 95%. In summary, the available evidence is currently insufficient to determine the role of this variant in disease. Therefore, it has been classified as a Variant of Uncertain Significance.

NM_000384.3(APOB):c.8487G>T (p.Lys2829Asn)

Gene: APOB (apolipoprotein B; minus strand). Cytogenetic location: 2p24.1.
Variant type: single nucleotide variant.
Coding change: c.8487G>T on transcript NM_000384.3 (MANE Select); coding-DNA position 8487, G replaced by T.
Protein change: p.Lys2829Asn; replaces lysine 2829 with asparagine.
Molecular consequence: missense variant.
Genome position (GRCh38, 1-based): chr2:21,008,381, C>A on the plus strand (G>T on the coding strand, the complement: APOB is on the minus strand). VCF-style: chr2-21008381-C-A. GRCh37 (hg19) VCF-style: chr2-21231253-C-A.
Other names: short protein forms K2829N.
Identifiers: ClinVar variation 4789283 (VCV004789283.1).